The following is an entry in ClinVar:

NM_014967.5(FAN1):c.2381A>G (p.Lys794Arg)

Genes: FAN1 (FANCD2 and FANCI associated nuclease 1; plus strand), MTMR10 (myotubularin related protein 10; minus strand). Cytogenetic location: 15q13.3.
Variant type: single nucleotide variant.
Coding change: c.2381A>G on transcript NM_014967.5 (MANE Select); coding-DNA position 2381, A replaced by G.
Protein change: p.Lys794Arg; replaces lysine 794 with arginine.
Molecular consequence: missense variant.
Genome position (GRCh38, 1-based): chr15:30,925,832, A>G. VCF-style: chr15-30925832-A-G. GRCh37 (hg19) VCF-style: chr15-31218035-A-G.
Other names: c.2381A>G (NM_014967.4); short protein forms K794R.
Identifiers: ClinVar variation 2064125 (VCV002064125.5), dbSNP rs145610507, ClinGen allele CA7450597.
Genomic context (GRCh38, chr15:30,925,832, plus strand): 5'-TTCTGCTGCTGTTTCAGGTGACCATCACAGGCAGGCTGTGCCCACAGCGTGGGATGTGCA[A>G]GTCTGTGTTTGTGATGGAGGCCGGGGAGGCCGCTGACCCCACCACGGTCCTGTGCTCTGT-3'
Protein context (NP_055782.3, residues 784-804): GRLCPQRGMC[Lys794Arg]SVFVMEAGEA

ClinVar aggregate classification (germline): Uncertain significance. Review status: criteria provided, multiple submitters, no conflicts (2 of 4 stars). 3 submissions from 3 submitters: Uncertain significance (3). Last evaluated 2026-08-05.

Conditions:
FAN1-related disorder. Also called: FAN1-related condition.
Karyomegalic interstitial nephritis. Identifiers: Orphanet 401996, MedGen C3553774, MONDO:0013898, OMIM 614817.

Allele frequency attached by ClinVar (database versions not stated): gnomAD exomes 0.00042; ExAC 0.00045; 1000 Genomes Project 30x 0.00031; ESP Exome Variant Server 0.00031; gnomAD 0.00035; 1000 Genomes Project 0.00040.
gnomAD v4.1: 659 of 1,614,222 alleles (0.041%); highest among the groups gnomAD compares: Non-Finnish European, 0.052%; 1 homozygote.

Submissions (5):

PreventionGenetics, part of Exact Sciences
Classification: Uncertain significance for FAN1-related condition. Last evaluated: 2026-08-05. Review status: criteria provided, single submitter. Criteria: ACMG Guidelines, 2015. Collection method: clinical testing. Allele origin: germline.
Comment: The FAN1 c.2381A>G variant is predicted to result in the amino acid substitution p.Lys794Arg. To our knowledge, this variant has not been reported in the literature. This variant is reported in 0.080% of alleles in individuals of European (Non-Finnish) descent in gnomAD and has been interpreted as variant of uncertain significance in the ClinVar database (Variation ID: 2064125). Although we suspect that this variant may be benign, at this time, the clinical significance of this variant is uncertain due to the absence of conclusive functional and genetic evidence.

Fulgent Genetics
Classification: Uncertain significance for Karyomegalic interstitial nephritis. Last evaluated: 2024-02-21. Review status: criteria provided, single submitter. Criteria: ACMG Guidelines, 2015. Collection method: clinical testing. Allele origin: germline.

Labcorp Genetics (formerly Invitae), Labcorp
Classification: Uncertain significance. Last evaluated: 2022-08-09. Review status: criteria provided, single submitter. Criteria: Invitae Variant Classification Sherloc (09022015). Collection method: clinical testing. Allele origin: germline.
Comment: This sequence change replaces lysine, which is basic and polar, with arginine, which is basic and polar, at codon 794 of the FAN1 protein (p.Lys794Arg). This variant is present in population databases (rs145610507, gnomAD 0.08%), including at least one homozygous and/or hemizygous individual. This variant has not been reported in the literature in individuals affected with FAN1-related conditions. Algorithms developed to predict the effect of missense changes on protein structure and function are either unavailable or do not agree on the potential impact of this missense change (SIFT: "Tolerated"; PolyPhen-2: "Probably Damaging"; Align-GVGD: "Class C0"). Algorithms developed to predict the effect of sequence changes on RNA splicing suggest that this variant may create or strengthen a splice site. In summary, the available evidence is currently insufficient to determine the role of this variant in disease. Therefore, it has been classified as a Variant of Uncertain Significance.

Dr. Peter K. Rogan Lab, Western University
No classification provided (evidence only). Condition: Lung cancer. Review status: no classification provided. Collection method: in vitro. Allele origin: not applicable. Functional consequence: retained intron. Not counted in ClinVar's aggregate classification.

Dr. Peter K. Rogan Lab, Western University
No classification provided (evidence only). Condition: Malignant tumor of esophagus. Review status: no classification provided. Collection method: in vitro. Allele origin: not applicable. Functional consequence: skipped exon. Not counted in ClinVar's aggregate classification.